The following is an entry in ClinVar:

NM_000051.4(ATM):c.7886T>C (p.Ile2629Thr)

Genes: ATM (ATM serine/threonine kinase; plus strand), C11orf65 (chromosome 11 open reading frame 65; minus strand). Cytogenetic location: 11q22.3.
Variant type: single nucleotide variant.
Coding change: c.7886T>C on transcript NM_000051.4 (MANE Select); coding-DNA position 7886, T replaced by C.
Protein change: p.Ile2629Thr; replaces isoleucine 2629 with threonine.
Molecular consequence: missense variant. On other transcripts: intron variant (2).
Genome position (GRCh38, 1-based): chr11:108,332,859, T>C. VCF-style: chr11-108332859-T-C. GRCh37 (hg19) VCF-style: chr11-108203586-T-C.
Other names: c.7886T>C, p.Ile2629Thr (NM_001351834.2); c.641-23788A>G (NM_001330368.2); c.*38+2361A>G (NM_001351110.2); short protein forms I2629T.
Identifiers: ClinVar variation 1761021 (VCV001761021.4), dbSNP rs2547300382, ClinGen allele CA382561445.
Genomic context (GRCh38, chr11:108,332,859, plus strand): 5'-TCAGAAGTAGGAGACCTCAGATGGTCAGAAGTGTTGAGGCACTTTGTGATGCTTATATTA[T>C]ATTAGCAAACTTAGATGCCACTCAGTGGAAGACTCAGAGAAGTATGTTTTTTTTAAAGAA-3'
Protein context (NP_000042.3, residues 2619-2639): SVEALCDAYI[Ile2629Thr]LANLDATQWK

ClinVar aggregate classification (germline): Conflicting classifications of pathogenicity. Review status: criteria provided, conflicting classifications (1 of 4 stars). 2 submissions from 2 submitters: Uncertain significance (1); Likely benign (1). Last evaluated 2024-07-11.

Conditions:
Hereditary cancer-predisposing syndrome. Also called: Hereditary neoplastic syndrome; Neoplastic Syndromes, Hereditary; Tumor predisposition; Hereditary Cancer Syndrome. Identifiers: Orphanet 140162, MedGen C0027672, MeSH D009386, MONDO:0015356.

Allele frequency attached by ClinVar (database versions not stated): gnomAD exomes below 0.00001.
gnomAD v4.1: 1 of 1,613,298 alleles (0.000062%); highest among the groups gnomAD compares: East Asian, 0.0022%; no homozygotes.

Submissions (2):

Ambry Genetics
Classification: Likely benign for Hereditary cancer-predisposing syndrome. Last evaluated: 2024-07-11. Review status: criteria provided, single submitter. Criteria: Ambry Variant Classification Scheme 2023. Collection method: clinical testing. Allele origin: germline.

GeneDx
Classification: Uncertain significance. Last evaluated: 2023-01-23. Review status: criteria provided, single submitter. Criteria: GeneDx Variant Classification Process June 2021. Collection method: clinical testing. Allele origin: germline. Affected: yes.
Comment: Not observed at significant frequency in large population cohorts (gnomAD); In silico analysis supports that this missense variant does not alter protein structure/function; Has not been previously published as pathogenic or benign to our knowledge